The following is an entry in ClinVar:

NM_032638.5(GATA2):c.1416G>A (p.Pro472=)

Gene: GATA2 (GATA binding protein 2; minus strand). Cytogenetic location: 3q21.3.
Variant type: single nucleotide variant.
Coding change: c.1416G>A on transcript NM_032638.5 (MANE Select); coding-DNA position 1416, G replaced by A.
Protein change: p.Pro472=; no amino-acid change (proline 472 retained).
Molecular consequence: synonymous variant.
Genome position (GRCh38, 1-based): chr3:128,481,046, C>T on the plus strand (G>A on the coding strand, the complement: GATA2 is on the minus strand). VCF-style: chr3-128481046-C-T. GRCh37 (hg19) VCF-style: chr3-128199889-C-T.
Other names: p.Pro472=; c.1416G>A, p.Pro472= (NM_001145661.2); c.1374G>A, p.Pro458= (NM_001145662.1).
Identifiers: ClinVar variation 412762 (VCV000412762.53), dbSNP rs376805544, ClinGen allele CA2599774.

ClinVar aggregate classification (germline): Conflicting classifications of pathogenicity. Review status: criteria provided, conflicting classifications (1 of 4 stars). 9 submissions from 9 submitters: Uncertain significance (1); Benign (1); Likely benign (7). Last evaluated 2026-01-30.

Conditions:
Hereditary cancer-predisposing syndrome. Also called: Tumor predisposition; Hereditary neoplastic syndrome; Hereditary Cancer Syndrome; Neoplastic Syndromes, Hereditary. Identifiers: Orphanet 140162, MedGen C0027672, MeSH D009386, MONDO:0015356.
Deafness-lymphedema-leukemia syndrome. Also called: Emberger syndrome; Lymphedema, primary, with myelodysplasia. Identifiers: Orphanet 3226, MedGen C3279664, MONDO:0013540, OMIM 614038.
Monocytopenia with susceptibility to infections. Also called: MONOCYTOPENIA AND MYCOBACTERIAL INFECTION SYNDROME; MONOCYTOPENIA WITH SUSCEPTIBILITY TO MYCOBACTERIAL, FUNGAL, AND PAPILLOMAVIRUS INFECTIONS AND MYELODYSPLASIA; COMBINED IMMUNODEFICIENCY WITH SUSCEPTIBILITY TO MYCOBACTERIAL, VIRAL, AND FUNGAL INFECTIONS; Dendritic cell, monocyte, B lymphocyte, and natural killer lymphocyte deficiency; IMMUNODEFICIENCY 21; GATA2 DEFICIENCY. Identifiers: Orphanet 228423, MedGen C3280030, MONDO:0013607, OMIM 614172.
Inborn genetic diseases. Identifiers: MedGen C0950123, MeSH D030342.

Allele frequency attached by ClinVar (database versions not stated): gnomAD 0.00023 and 0.00022; ExAC 0.00027; gnomAD exomes 0.00028 and 0.00017; ESP Exome Variant Server 0.00031; TOPMed 0.00020.
gnomAD v4.1: 273 of 1,589,042 alleles (0.017%); highest among the groups gnomAD compares: Middle Eastern, 0.088%; no homozygotes.

Submissions (9):

Labcorp Genetics (formerly Invitae), Labcorp
Classification: Benign for Monocytopenia with susceptibility to infections; Deafness-lymphedema-leukemia syndrome. Last evaluated: 2026-01-30. Review status: criteria provided, single submitter. Criteria: Invitae Variant Classification Sherloc (09022015). Collection method: clinical testing. Allele origin: germline.

CeGaT Center for Human Genetics Tuebingen
Classification: Likely benign. Last evaluated: 2025-12-01. Review status: criteria provided, single submitter. Criteria: CeGaT Center For Human Genetics Tuebingen Variant Classification Criteria Version 2. Collection method: clinical testing. Allele origin: germline. Affected: yes. Observed: 2 variant alleles.
Comment: GATA2: BP4, BP7

Mayo Clinic Laboratories, Mayo Clinic
Classification: Likely benign. Last evaluated: 2025-10-06. Review status: criteria provided, single submitter. Criteria: ACMG Guidelines, 2015. Collection method: clinical testing. Allele origin: germline. Observed: 1 variant allele.
Comment: BS1, BP4, BP7

Blueprint Genetics
Classification: Likely benign. Last evaluated: 2024-09-10. Review status: criteria provided, single submitter. Criteria: ACMG Guidelines, 2015. Collection method: clinical testing. Allele origin: germline.

ARUP Laboratories, Molecular Genetics and Genomics, ARUP Laboratories
Classification: Likely benign. Last evaluated: 2024-09-03. Review status: criteria provided, single submitter. Criteria: ARUP Molecular Germline Variant Investigation Process 2024. Collection method: clinical testing. Allele origin: germline.

Ambry Genetics
Classification: Likely benign for Inborn genetic diseases. Last evaluated: 2024-07-30. Review status: criteria provided, single submitter. Criteria: Ambry Variant Classification Scheme 2023. Collection method: clinical testing. Allele origin: germline.

Sema4
Classification: Likely benign for Hereditary cancer-predisposing syndrome. Last evaluated: 2021-06-11. Review status: criteria provided, single submitter. Criteria: Sema4 Curation Guidelines. Collection method: curation. Allele origin: germline.

Genetic Services Laboratory, University of Chicago
Classification: Likely benign. Last evaluated: 2019-08-02. Review status: criteria provided, single submitter. Criteria: ACMG Guidelines, 2015. Collection method: clinical testing. Allele origin: germline. Affected: no.

Illumina Laboratory Services, Illumina
Classification: Uncertain significance for Deafness-lymphedema-leukemia syndrome. Last evaluated: 2018-01-13. Review status: criteria provided, single submitter. Criteria: ICSL Variant Classification Criteria 13 December 2019. Collection method: clinical testing. Allele origin: germline.

Literature cited by the submitters: PubMed 28752392 (cited by Mayo Clinic Laboratories, Mayo Clinic); PubMed 32555368 (cited by Mayo Clinic Laboratories, Mayo Clinic and Ambry Genetics).